The following is an entry in ClinVar:

ClinVar aggregate classification (germline): Uncertain significance (1 of 4 stars; one submission).

Allele frequency attached by ClinVar (database versions not stated): gnomAD exomes below 0.00001.
gnomAD v4.1: 2 of 1,614,132 alleles (0.00012%); highest among the groups gnomAD compares: Non-Finnish European, 0.00017%; no homozygotes.

Submission:

Labcorp Genetics (formerly Invitae), Labcorp
Classification: Uncertain significance. Last evaluated: 2020-11-03. Review status: criteria provided, single submitter. Criteria: Invitae Variant Classification Sherloc (09022015). Collection method: clinical testing. Allele origin: germline.
Comment: Algorithms developed to predict the effect of missense changes on protein structure and function (SIFT, PolyPhen-2, Align-GVGD) all suggest that this variant is likely to be tolerated, but these predictions have not been confirmed by published functional studies and their clinical significance is uncertain. In summary, the available evidence is currently insufficient to determine the role of this variant in disease. Therefore, it has been classified as a Variant of Uncertain Significance. This variant has not been reported in the literature in individuals with POLR3A-related conditions. This variant is not present in population databases (ExAC no frequency). This sequence change replaces threonine with alanine at codon 1381 of the POLR3A protein (p.Thr1381Ala). The threonine residue is weakly conserved and there is a small physicochemical difference between threonine and alanine.

NM_007055.4(POLR3A):c.4141A>G (p.Thr1381Ala)

Gene: POLR3A (RNA polymerase III subunit A; minus strand). Cytogenetic location: 10q22.3.
Variant type: single nucleotide variant.
Coding change: c.4141A>G on transcript NM_007055.4 (MANE Select); coding-DNA position 4141, A replaced by G.
Protein change: p.Thr1381Ala; replaces threonine 1381 with alanine.
Molecular consequence: missense variant.
Genome position (GRCh38, 1-based): chr10:77,977,510, T>C on the plus strand (A>G on the coding strand, the complement: POLR3A is on the minus strand). VCF-style: chr10-77977510-T-C. GRCh37 (hg19) VCF-style: chr10-79737268-T-C.
Other names: short protein forms T1381A.
Identifiers: ClinVar variation 1463383 (VCV001463383.8), dbSNP rs1342626907, ClinGen allele CA377325657.